The following is an entry in ClinVar:

ClinVar aggregate classification (germline): Uncertain significance (1 of 4 stars; one submission).

Conditions:
Inborn genetic diseases. Identifiers: MedGen C0950123, MeSH D030342.

Allele frequency attached by ClinVar (database versions not stated): TOPMed 0.00001.

Submission:

Ambry Genetics
Classification: Uncertain significance for Inborn genetic diseases. Last evaluated: 2023-09-21. Review status: criteria provided, single submitter. Criteria: Ambry Variant Classification Scheme 2023. Collection method: clinical testing. Allele origin: germline.
Comment: The p.V2513M variant (also known as c.7537G>A), located in coding exon 51 of the LRRK2 gene, results from a G to A substitution at nucleotide position 7537. The valine at codon 2513 is replaced by methionine, an amino acid with highly similar properties. This amino acid position is conserved. In addition, this alteration is predicted to be tolerated by in silico analysis. Since supporting evidence is limited at this time, the clinical significance of this alteration remains unclear.

NM_198578.4(LRRK2):c.7537G>A (p.Val2513Met)

Gene: LRRK2 (leucine rich repeat kinase 2; plus strand). Cytogenetic location: 12q12.
Variant type: single nucleotide variant.
Coding change: c.7537G>A on transcript NM_198578.4 (MANE Select); coding-DNA position 7537, G replaced by A.
Protein change: p.Val2513Met; replaces valine 2513 with methionine.
Molecular consequence: missense variant.
Genome position (GRCh38, 1-based): chr12:40,367,718, G>A. VCF-style: chr12-40367718-G-A. GRCh37 (hg19) VCF-style: chr12-40761520-G-A.
Other names: short protein forms V2513M.
Identifiers: ClinVar variation 3229799 (VCV003229799.1), dbSNP rs1304063783, ClinGen allele CA384416184.